The following is an entry in ClinVar:

ClinVar aggregate classification (germline): Likely benign. Review status: criteria provided, multiple submitters, no conflicts (2 of 4 stars). 3 submissions from 3 submitters: Likely benign (2). 1 of the submissions does not count toward it. Last evaluated 2025-10-01.

Conditions:
HERC2-related disorder. Also called: HERC2-related condition.

Allele frequency attached by ClinVar (database versions not stated): ESP Exome Variant Server 0.00008; gnomAD exomes 0.00054; gnomAD 0.00065; TOPMed 0.00071; ExAC 0.00149; 1000 Genomes Project 30x 0.00234; 1000 Genomes Project 0.00280.
gnomAD v4.1: 920 of 1,614,118 alleles (0.057%); highest among the groups gnomAD compares: East Asian, 0.94%; 4 homozygotes.

Submissions (3):

CeGaT Center for Human Genetics Tuebingen
Classification: Likely benign. Last evaluated: 2025-10-01. Review status: criteria provided, single submitter. Criteria: CeGaT Center For Human Genetics Tuebingen Variant Classification Criteria Version 2. Collection method: clinical testing. Allele origin: germline. Affected: yes. Observed: 3 variant alleles.
Comment: HERC2: BP4, BP7

Blueprint Genetics
Classification: Likely benign. Last evaluated: 2024-11-14. Review status: criteria provided, single submitter. Criteria: ACMG Guidelines, 2015. Collection method: clinical testing. Allele origin: germline.

PreventionGenetics, part of Exact Sciences
Classification: Benign for HERC2-related condition. Last evaluated: 2024-08-21. Review status: no assertion criteria provided. Collection method: clinical testing. Allele origin: germline. Not counted in ClinVar's aggregate classification.
Comment: This variant is classified as benign based on ACMG/AMP sequence variant interpretation guidelines (Richards et al. 2015 PMID: 25741868, with internal and published modifications).

NM_004667.6(HERC2):c.1626C>T (p.Ser542=)

Gene: HERC2 (HECT and RLD domain containing E3 ubiquitin protein ligase 2; minus strand). Cytogenetic location: 15q13.1.
Variant type: single nucleotide variant.
Coding change: c.1626C>T on transcript NM_004667.6 (MANE Select); coding-DNA position 1626, C replaced by T.
Protein change: p.Ser542=; no amino-acid change (serine 542 retained).
Molecular consequence: synonymous variant.
Genome position (GRCh38, 1-based): chr15:28,265,947, G>A on the plus strand (C>T on the coding strand, the complement: HERC2 is on the minus strand). VCF-style: chr15-28265947-G-A. GRCh37 (hg19) VCF-style: chr15-28511093-G-A.
Other names: c.1626C>T (NM_004667.5).
Identifiers: ClinVar variation 2645081 (VCV002645081.25), dbSNP rs189497233, ClinGen allele CA7443395.